The following is an entry in ClinVar:

NM_005560.6(LAMA5):c.8209A>T (p.Met2737Leu)

Gene: LAMA5 (laminin subunit alpha 5; minus strand). Cytogenetic location: 20q13.33.
Variant type: single nucleotide variant.
Coding change: c.8209A>T on transcript NM_005560.6 (MANE Select); coding-DNA position 8209, A replaced by T.
Protein change: p.Met2737Leu; replaces methionine 2737 with leucine.
Molecular consequence: missense variant.
Genome position (GRCh38, 1-based): chr20:62,314,713, T>A on the plus strand (A>T on the coding strand, the complement: LAMA5 is on the minus strand). VCF-style: chr20-62314713-T-A. GRCh37 (hg19) VCF-style: chr20-60889769-T-A.
Other names: short protein forms M2737L.
Identifiers: ClinVar variation 3352006 (VCV003352006.1).

ClinVar aggregate classification (germline): Uncertain significance (0 of 4 stars; one submission).

Conditions:
LAMA5-related disorder. Also called: LAMA5-related condition; LAMA5-Related Disorders.

gnomAD v4.1: 84 of 1,612,556 alleles (0.0052%); highest among the groups gnomAD compares: Non-Finnish European, 0.0068%; no homozygotes.

Submission:

PreventionGenetics, part of Exact Sciences
Classification: Uncertain significance for LAMA5-related condition. Last evaluated: 2024-04-09. Review status: no assertion criteria provided. Collection method: clinical testing. Allele origin: germline.
Comment: The LAMA5 c.8209A>T variant is predicted to result in the amino acid substitution p.Met2737Leu. To our knowledge, this variant has not been reported in the literature. This variant is reported in 0.0018% of alleles in individuals of European (Non-Finnish) descent in gnomAD. At this time, the clinical significance of this variant is uncertain due to the absence of conclusive functional and genetic evidence.